The following is an entry in ClinVar:

NM_144672.4(OTOA):c.1500G>C (p.Ala500=)

Gene: OTOA (otoancorin). Cytogenetic location: 16p12.2.
Variant type: single nucleotide variant.
Coding change: c.1500G>C on transcript NM_144672.4 (MANE Select); coding-DNA position 1500, G replaced by C.
Protein change: p.Ala500=; no amino-acid change (alanine 500 retained).
Molecular consequence: synonymous variant.
Genome position (GRCh38, 1-based): chr16:21,716,918, G>C. VCF-style: chr16-21716918-G-C. GRCh37 (hg19) VCF-style: chr16-21728239-G-C.
Other names: c.1263G>C, p.Ala421= (NM_001161683.2); c.528G>C, p.Ala176= (NM_170664.3).
Identifiers: ClinVar variation 164823 (VCV000164823.11), dbSNP rs199908646, ClinGen allele CA177530.

ClinVar aggregate classification (germline): Likely benign. Review status: criteria provided, multiple submitters, no conflicts (2 of 4 stars). 4 submissions from 4 submitters: Likely benign (4). Last evaluated 2024-09-26.

gnomAD v4.1: 106 of 1,613,896 alleles (0.0066%); highest among the groups gnomAD compares: Middle Eastern, 0.61%; 1 homozygote.

Submissions (4):

Labcorp Genetics (formerly Invitae), Labcorp
Classification: Likely benign. Last evaluated: 2024-09-26. Review status: criteria provided, single submitter. Criteria: Invitae Variant Classification Sherloc (09022015). Collection method: clinical testing. Allele origin: germline.

Laboratory for Molecular Medicine, Mass General Brigham Personalized Medicine
Classification: Likely benign. Last evaluated: 2013-09-07. Review status: criteria provided, single submitter. Criteria: LMM Criteria. Collection method: clinical testing. Allele origin: germline. Observed: 3 variant alleles.
Comment: p.Ala500Ala in exon 14 of OTOA: This variant is not expected to have clinical si gnificance because it does not alter an amino acid residue and it is not located within the splice consensus sequence. This variant has been identified in 8/165 12 South Asian chromosomes by the Exome Aggregation Consortium (dbSNP rs199908646).

Breakthrough Genomics
Classification: Likely benign. Review status: criteria provided, single submitter. Criteria: ACMG Guidelines, 2015. Collection method: not provided. Allele origin: germline. Inheritance: Autosomal recessive inheritance. Affected: yes.

PreventionGenetics, part of Exact Sciences
Classification: Likely benign. Review status: criteria provided, single submitter. Criteria: ACMG Guidelines, 2015. Collection method: clinical testing. Allele origin: germline.